The following is an entry in ClinVar:

NM_007050.6(PTPRT):c.1488G>C (p.Gly496=)

Gene: PTPRT (protein tyrosine phosphatase receptor type T; minus strand). Cytogenetic location: 20q12.
Variant type: single nucleotide variant.
Coding change: c.1488G>C on transcript NM_007050.6 (MANE Select); coding-DNA position 1488, G replaced by C.
Protein change: p.Gly496=; no amino-acid change (glycine 496 retained).
Molecular consequence: synonymous variant.
Genome position (GRCh38, 1-based): chr20:42,448,292, C>G on the plus strand (G>C on the coding strand, the complement: PTPRT is on the minus strand). VCF-style: chr20-42448292-C-G. GRCh37 (hg19) VCF-style: chr20-41076932-C-G.
Other names: c.1488G>C (NM_133170.3); c.1488G>C, p.Gly496= (NM_001394024.1, NM_001394025.1, NM_001394026.1 and 1 more transcripts).
Identifiers: ClinVar variation 2652342 (VCV002652342.25), dbSNP rs146227148, ClinGen allele CA9864549.

ClinVar aggregate classification (germline): Likely benign. Review status: criteria provided, single submitter (1 of 4 stars). 2 submissions from 2 submitters: Likely benign (1). 1 of the submissions does not count toward it. Last evaluated 2022-12-01.

Conditions:
PTPRT-related disorder. Also called: PTPRT-related condition.

Allele frequency attached by ClinVar (database versions not stated): ESP Exome Variant Server 0.00083; 1000 Genomes Project 30x 0.00172; 1000 Genomes Project 0.00180.
gnomAD v4.1: 2,022 of 1,613,174 alleles (0.13%); highest among the groups gnomAD compares: Admixed American, 0.22%; 2 homozygotes.

Submissions (2):

CeGaT Center for Human Genetics Tuebingen
Classification: Likely benign. Last evaluated: 2022-12-01. Review status: criteria provided, single submitter. Criteria: CeGaT Center For Human Genetics Tuebingen Variant Classification Criteria Version 2. Collection method: clinical testing. Allele origin: germline. Affected: yes. Observed: 2 variant alleles.
Comment: PTPRT: BP4, BP7

PreventionGenetics, part of Exact Sciences
Classification: Likely benign for PTPRT-related condition. Last evaluated: 2019-02-28. Review status: no assertion criteria provided. Collection method: clinical testing. Allele origin: germline. Not counted in ClinVar's aggregate classification.
Comment: This variant is classified as likely benign based on ACMG/AMP sequence variant interpretation guidelines (Richards et al. 2015 PMID: 25741868, with internal and published modifications).